The following is an entry in ClinVar:

NM_024598.4(USB1):c.450-1930del

Gene: USB1 (U6 snRNA biogenesis phosphodiesterase 1; plus strand). Cytogenetic location: 16q21.
Variant type: Deletion.
Coding change: c.450-1930del on transcript NM_024598.4 (MANE Select); 1930 bases into the intron before coding-DNA position 450, one base deleted (G; older notation c.450-1930delG).
Molecular consequence: intron variant. On other transcripts: 3 prime UTR variant (1), frameshift variant (1).
Genome position (GRCh38, 1-based): chr16:58,012,343, G deleted. VCF-style (leftmost placement, unchanged base first): chr16-58012342-AG-A. GRCh37 (hg19) VCF-style: chr16-58046246-AG-A.
Other names: c.*1214del (NM_001204911.2); c.472del, p.Ala158fs (NM_001330569.2); c.297-1930del (NM_001330568.2); c.449+2231del (NM_001195302.2); c.472delG (NM_001330569.1); short protein forms A158fs.
Identifiers: ClinVar variation 4930309 (VCV004930309.2).

ClinVar aggregate classification (germline): Likely benign. Review status: criteria provided, multiple submitters, no conflicts (2 of 4 stars). 2 submissions from 2 submitters: Likely benign (2). Last evaluated 2025-08-14.

Conditions:
USB1-related disorder. Also called: USB1-related condition.

Submissions (2):

PreventionGenetics, part of Exact Sciences
Classification: Likely benign for USB1-related condition. Last evaluated: 2025-08-14. Review status: criteria provided, single submitter. Criteria: ACMG Guidelines, 2015. Collection method: clinical testing. Allele origin: germline.
Comment: This variant is classified as likely benign based on ACMG/AMP sequence variant interpretation guidelines (Richards et al. 2015 PMID: 25741868, with internal and published modifications).

Blueprint Genetics
Classification: Likely benign. Last evaluated: 2024-11-05. Review status: criteria provided, single submitter. Criteria: ACMG Guidelines, 2015. Collection method: clinical testing. Allele origin: germline.